The following is an entry in ClinVar:

NM_001128205.2(SULF1):c.470G>C (p.Arg157Pro)

Gene: SULF1 (sulfatase 1; plus strand). Cytogenetic location: 8q13.2.
Variant type: single nucleotide variant.
Coding change: c.470G>C on transcript NM_001128205.2 (MANE Select); coding-DNA position 470, G replaced by C.
Protein change: p.Arg157Pro; replaces arginine 157 with proline.
Molecular consequence: missense variant. On other transcripts: non-coding transcript variant (2).
Genome position (GRCh38, 1-based): chr8:69,586,414, G>C. VCF-style: chr8-69586414-G-C. GRCh37 (hg19) VCF-style: chr8-70498649-G-C.
Other names: c.470G>C, p.Arg157Pro (NM_001128204.2, NM_001128206.2, NM_001412828.1 and 19 more transcripts); c.284G>C, p.Arg95Pro (NM_001412841.1, NM_001412842.1); c.-57G>C (NM_001412844.1, NM_001412845.1); c.-1232G>C (NM_001412846.1); short protein forms R157P, R95P.
Identifiers: ClinVar variation 1914092 (VCV001914092.5), dbSNP rs1387439634, ClinGen allele CA371225192.
Genomic context (GRCh38, chr8:69,586,414, plus strand): 5'-CAGCCTTTTTTGGAAAATACCTCAATGAATATAATGGCAGCTACATCCCCCCTGGGTGGC[G>C]AGAATGGCTTGGATTAATCAAGAATTCTCGCTTCTATAATTACACTGTTTGTCGCAATGG-3'
Protein context (NP_001121677.1, residues 147-167): YNGSYIPPGW[Arg157Pro]EWLGLIKNSR

ClinVar aggregate classification (germline): Uncertain significance (1 of 4 stars; one submission).

gnomAD v4.1: 4 of 1,610,706 alleles (0.00025%); highest among the groups gnomAD compares: African/African-American, 0.0027%; no homozygotes.

Submission:

Labcorp Genetics (formerly Invitae), Labcorp
Classification: Uncertain significance. Last evaluated: 2025-08-21. Review status: criteria provided, single submitter. Criteria: Invitae Variant Classification Sherloc (09022015). Collection method: clinical testing. Allele origin: germline.
Comment: This sequence change replaces arginine, which is basic and polar, with proline, which is neutral and non-polar, at codon 157 of the SULF1 protein (p.Arg157Pro). This variant is present in population databases (no rsID available, gnomAD 0.003%). This variant has not been reported in the literature in individuals affected with SULF1-related conditions. ClinVar contains an entry for this variant (Variation ID: 1914092). An algorithm developed to predict the effect of missense changes on protein structure and function (PolyPhen-2) suggests that this variant is likely to be disruptive. In summary, the available evidence is currently insufficient to determine the role of this variant in disease. Therefore, it has been classified as a Variant of Uncertain Significance.